The following is an entry in ClinVar:

ClinVar aggregate classification (germline): Likely benign (1 of 4 stars; one submission).

gnomAD v4.1: 1 of 1,613,490 alleles (0.000062%); highest among the groups gnomAD compares: Admixed American, 0.0017%; no homozygotes.

Submission:

CeGaT Center for Human Genetics Tuebingen
Classification: Likely benign. Last evaluated: 2026-07-01. Review status: criteria provided, single submitter. Criteria: CeGaT Center For Human Genetics Tuebingen Variant Classification Criteria Version 2. Collection method: clinical testing. Allele origin: germline. Affected: yes. Observed: 1 variant allele.
Comment: KIAA0825: BP4, BP7

NM_001145678.3(KIAA0825):c.543A>G (p.Glu181=)

Gene: KIAA0825 (KIAA0825; minus strand). Cytogenetic location: 5q15.
Variant type: single nucleotide variant.
Coding change: c.543A>G on transcript NM_001145678.3 (MANE Select); coding-DNA position 543, A replaced by G.
Protein change: p.Glu181=; no amino-acid change (glutamic acid 181 retained).
Molecular consequence: synonymous variant. On other transcripts: non-coding transcript variant (4).
Genome position (GRCh38, 1-based): chr5:94,520,675, T>C on the plus strand (A>G on the coding strand, the complement: KIAA0825 is on the minus strand). VCF-style: chr5-94520675-T-C. GRCh37 (hg19) VCF-style: chr5-93856380-T-C.
Other names: c.543A>G, p.Glu181= (NM_001385712.1, NM_001385713.1, NM_001385714.1 and 13 more transcripts); c.432A>G, p.Glu144= (NM_001385724.1).
Identifiers: ClinVar variation 5039873 (VCV005039873.1).
Genomic context (GRCh38, chr5:94,520,675, plus strand): 5'-AAACAAGAGTTGTTGTAAGCACTGCTTTTTCAATAAAATTTTTTGCTGTGAATTGTTTAT[T>C]TCATTATGGCTTTGTAATTTGCTCACTAAGAAGCGTCGAAGATGCAGTCTTATATCATCC-3'
Protein context (NP_001139150.1, residues 171-191): FLVSKLQSHN[Glu181=]INNSQQKILL